The following is an entry in ClinVar:

NM_015338.6(ASXL1):c.2518C>T (p.Pro840Ser)

Gene: ASXL1 (ASXL transcriptional regulator 1; plus strand). Cytogenetic location: 20q11.21.
Variant type: single nucleotide variant.
Coding change: c.2518C>T on transcript NM_015338.6 (MANE Select); coding-DNA position 2518, C replaced by T.
Protein change: p.Pro840Ser; replaces proline 840 with serine.
Molecular consequence: missense variant.
Genome position (GRCh38, 1-based): chr20:32,435,230, C>T. VCF-style: chr20-32435230-C-T. GRCh37 (hg19) VCF-style: chr20-31023033-C-T.
Other names: c.2335C>T, p.Pro779Ser (NM_001363734.1); short protein forms P779S, P840S.
Identifiers: ClinVar variation 2506700 (VCV002506700.1), dbSNP rs2011750704, ClinGen allele CA408560039.

ClinVar aggregate classification (germline): Uncertain significance (1 of 4 stars; one submission).

Allele frequency attached by ClinVar (database versions not stated): gnomAD exomes below 0.00001.

Submission:

GeneDx
Classification: Uncertain significance. Last evaluated: 2022-12-22. Review status: criteria provided, single submitter. Criteria: GeneDx Variant Classification Process June 2021. Collection method: clinical testing. Allele origin: germline. Affected: yes.
Comment: Not observed at significant frequency in large population cohorts (gnomAD); In silico analysis supports that this missense variant does not alter protein structure/function; Has not been previously published as pathogenic or benign to our knowledge